The following is an entry in ClinVar:

ClinVar aggregate classification (germline): Benign. Review status: criteria provided, multiple submitters, no conflicts (2 of 4 stars). 4 submissions from 4 submitters: Benign (3). 1 of the submissions does not count toward it. Last evaluated 2026-04-01.

Conditions:
PLD1-related disorder. Also called: PLD1-related condition.

Allele frequency attached by ClinVar (database versions not stated): 1000 Genomes Project 30x 0.00047; 1000 Genomes Project 0.00060; TOPMed 0.00247; ESP Exome Variant Server 0.00292; gnomAD exomes 0.00340 and 0.00402; ExAC 0.00344; gnomAD 0.00357 and 0.00379.
gnomAD v4.1: 6,360 of 1,613,848 alleles (0.39%); highest among the groups gnomAD compares: Non-Finnish European, 0.44%; 16 homozygotes.

Submissions (4):

CeGaT Center for Human Genetics Tuebingen
Classification: Benign. Last evaluated: 2026-04-01. Review status: criteria provided, single submitter. Criteria: CeGaT Center For Human Genetics Tuebingen Variant Classification Criteria Version 2. Collection method: clinical testing. Allele origin: germline. Affected: yes. Observed: 4 variant alleles.
Comment: PLD1: BP4, BS1, BS2

Labcorp Genetics (formerly Invitae), Labcorp
Classification: Benign. Last evaluated: 2025-11-08. Review status: criteria provided, single submitter. Criteria: Invitae Variant Classification Sherloc (09022015). Collection method: clinical testing. Allele origin: germline.

Breakthrough Genomics
Classification: Benign. Review status: criteria provided, single submitter. Criteria: ACMG Guidelines, 2015. Collection method: not provided. Allele origin: germline. Inheritance: Autosomal recessive inheritance. Affected: yes.

PreventionGenetics, part of Exact Sciences
Classification: Benign for PLD1-related condition. Last evaluated: 2019-07-23. Review status: no assertion criteria provided. Collection method: clinical testing. Allele origin: germline. Not counted in ClinVar's aggregate classification.
Comment: This variant is classified as benign based on ACMG/AMP sequence variant interpretation guidelines (Richards et al. 2015 PMID: 25741868, with internal and published modifications).

NM_002662.5(PLD1):c.1192C>T (p.Arg398Cys)

Gene: PLD1 (phospholipase D1; minus strand). Cytogenetic location: 3q26.31.
Variant type: single nucleotide variant.
Coding change: c.1192C>T on transcript NM_002662.5 (MANE Select); coding-DNA position 1192, C replaced by T.
Protein change: p.Arg398Cys; replaces arginine 398 with cysteine.
Molecular consequence: missense variant.
Genome position (GRCh38, 1-based): chr3:171,699,780, G>A on the plus strand (C>T on the coding strand, the complement: PLD1 is on the minus strand). VCF-style: chr3-171699780-G-A. GRCh37 (hg19) VCF-style: chr3-171417570-G-A.
Other names: c.1192C>T, p.Arg398Cys (NM_001130081.3); short protein forms R398C.
Identifiers: ClinVar variation 74954 (VCV000074954.33), dbSNP rs143845082, ClinGen allele CA2704705.